The following is an entry in ClinVar:

ClinVar aggregate classification (germline): Uncertain significance (1 of 4 stars; one submission).

Submission:

Labcorp Genetics (formerly Invitae), Labcorp
Classification: Uncertain significance. Last evaluated: 2025-09-23. Review status: criteria provided, single submitter. Criteria: Invitae Variant Classification Sherloc (09022015). Collection method: clinical testing. Allele origin: germline.
Comment: This sequence change replaces methionine, which is neutral and non-polar, with isoleucine, which is neutral and non-polar, at codon 947 of the LRP6 protein (p.Met947Ile). This variant is not present in population databases (gnomAD no frequency). This variant has not been reported in the literature in individuals affected with LRP6-related conditions. Invitae Evidence Modeling of protein sequence and biophysical properties (such as structural, functional, and spatial information, amino acid conservation, physicochemical variation, residue mobility, and thermodynamic stability) indicates that this missense variant is not expected to disrupt LRP6 protein function with a negative predictive value of 80%. In summary, the available evidence is currently insufficient to determine the role of this variant in disease. Therefore, it has been classified as a Variant of Uncertain Significance.

NM_002336.3(LRP6):c.2841G>A (p.Met947Ile)

Gene: LRP6 (LDL receptor related protein 6; minus strand). Cytogenetic location: 12p13.2.
Variant type: single nucleotide variant.
Coding change: c.2841G>A on transcript NM_002336.3 (MANE Select); coding-DNA position 2841, G replaced by A.
Protein change: p.Met947Ile; replaces methionine 947 with isoleucine.
Molecular consequence: missense variant. On other transcripts: non-coding transcript variant (1).
Genome position (GRCh38, 1-based): chr12:12,150,989, C>T on the plus strand (G>A on the coding strand, the complement: LRP6 is on the minus strand). VCF-style: chr12-12150989-C-T. GRCh37 (hg19) VCF-style: chr12-12303923-C-T.
Other names: c.2841G>A, p.Met947Ile (NM_001414244.1, NM_001414245.1, NM_001414246.1 and 4 more transcripts); c.2643G>A, p.Met881Ile (NM_001414247.1); c.2388G>A, p.Met796Ile (NM_001414252.1, NM_001414253.1, NM_001414254.1); c.2334G>A, p.Met778Ile (NM_001414255.1); short protein forms M796I, M881I, M778I, M947I.
Identifiers: ClinVar variation 4741676 (VCV004741676.1).